The following is an entry in ClinVar:

NM_001793.6(CDH3):c.2092G>A (p.Val698Ile)

Gene: CDH3 (cadherin 3; plus strand). Cytogenetic location: 16q22.1.
Variant type: single nucleotide variant.
Coding change: c.2092G>A on transcript NM_001793.6 (MANE Select); coding-DNA position 2092, G replaced by A.
Protein change: p.Val698Ile; replaces valine 698 with isoleucine.
Molecular consequence: missense variant.
Genome position (GRCh38, 1-based): chr16:68,695,344, G>A. VCF-style: chr16-68695344-G-A. GRCh37 (hg19) VCF-style: chr16-68729247-G-A.
Other names: c.2092G>A, p.Val698Ile (NM_001317195.3); c.1927G>A, p.Val643Ile (NM_001317196.2); short protein forms V643I, V698I.
Identifiers: ClinVar variation 1018522 (VCV001018522.6), dbSNP rs1961689358, ClinGen allele CA396456049.

ClinVar aggregate classification (germline): Uncertain significance (1 of 4 stars; one submission).

gnomAD v4.1: 8 of 1,613,982 alleles (0.0005%); highest among the groups gnomAD compares: Middle Eastern, 0.016%; no homozygotes.

Submission:

Labcorp Genetics (formerly Invitae), Labcorp
Classification: Uncertain significance. Last evaluated: 2022-07-19. Review status: criteria provided, single submitter. Criteria: Invitae Variant Classification Sherloc (09022015). Collection method: clinical testing. Allele origin: germline.
Comment: This sequence change replaces valine, which is neutral and non-polar, with isoleucine, which is neutral and non-polar, at codon 698 of the CDH3 protein (p.Val698Ile). This variant is not present in population databases (gnomAD no frequency). This variant has not been reported in the literature in individuals affected with CDH3-related conditions. Algorithms developed to predict the effect of missense changes on protein structure and function are either unavailable or do not agree on the potential impact of this missense change (SIFT: "Not Available"; PolyPhen-2: "Possibly Damaging"; Align-GVGD: "Not Available"). In summary, the available evidence is currently insufficient to determine the role of this variant in disease. Therefore, it has been classified as a Variant of Uncertain Significance.